The following is an entry in ClinVar:

ClinVar aggregate classification (germline): Uncertain significance (1 of 4 stars; one submission).

Submission:

GeneDx
Classification: Uncertain significance. Last evaluated: 2020-02-10. Review status: criteria provided, single submitter. Criteria: GeneDx Variant Classification Process June 2021. Collection method: clinical testing. Allele origin: germline. Affected: yes.
Comment: Not observed in large population cohorts (Lek et al., 2016); In silico analysis supports a deleterious effect on splicing; Has not been previously published as pathogenic or benign to our knowledge

NM_182641.4(BPTF):c.7174_7205dup (p.Gln2402fs)

Gene: BPTF (bromodomain PHD finger transcription factor; plus strand). Cytogenetic location: 17q24.2.
Variant type: Duplication.
Coding change: c.7174_7205dup on transcript NM_182641.4 (MANE Select); coding-DNA positions 7174 to 7205, 32 bases duplicated.
Protein change: p.Gln2402fs; shifts the reading frame from glutamine 2402.
Molecular consequence: frameshift variant. On other transcripts: splice donor variant (1).
Genome position (GRCh38, 1-based): chr17:67,945,882-67,945,913, 32 bases duplicated; duplicating any 32 consecutive bases within chr17:67,945,880-67,945,913 gives the same sequence; the c. name uses the placement nearest the transcript's 3' end. GRCh37 (hg19): chr17:65,941,998-65,942,029.
Other names: c.7552_7566+17dup (NM_004459.7); short protein forms Q2402fs.
Identifiers: ClinVar variation 1311936 (VCV001311936.2), dbSNP rs2147945302, ClinGen allele CA2573054552.
Genomic context (GRCh38, chr17:67,945,879, plus strand): 5'-ACCTCACAACCGATTCCAATTCAACCACATACATCTCTTCAGATACCTTCCCAAGGCCAG[C>CCACAGTCACAACCCCAGGTACAGTCTTCAACT]CACAGTCACAACCCCAGGTACAGTCTTCAACTCAAACTCTTTCATCAGGACAAACTTTAA-3'